The following is an entry in ClinVar:

ClinVar aggregate classification (germline): Uncertain significance (1 of 4 stars; one submission).

Allele frequency attached by ClinVar (database versions not stated): TOPMed 0.00002; ExAC 0.00003; gnomAD exomes 0.00004; gnomAD 0.00005.
gnomAD v4.1: 67 of 1,614,134 alleles (0.0042%); highest among the groups gnomAD compares: South Asian, 0.018%; no homozygotes.

Submission:

Labcorp Genetics (formerly Invitae), Labcorp
Classification: Uncertain significance. Last evaluated: 2023-08-24. Review status: criteria provided, single submitter. Criteria: Invitae Variant Classification Sherloc (09022015). Collection method: clinical testing. Allele origin: germline.
Comment: In summary, the available evidence is currently insufficient to determine the role of this variant in disease. Therefore, it has been classified as a Variant of Uncertain Significance. Advanced modeling of protein sequence and biophysical properties (such as structural, functional, and spatial information, amino acid conservation, physicochemical variation, residue mobility, and thermodynamic stability) performed at Invitae indicates that this missense variant is not expected to disrupt PCDH12 protein function. ClinVar contains an entry for this variant (Variation ID: 1919836). This variant has not been reported in the literature in individuals affected with PCDH12-related conditions. This variant is present in population databases (rs779400642, gnomAD 0.02%). This sequence change replaces serine, which is neutral and polar, with glycine, which is neutral and non-polar, at codon 451 of the PCDH12 protein (p.Ser451Gly).

NM_016580.4(PCDH12):c.1351A>G (p.Ser451Gly)

Genes: PCDH12 (protocadherin 12; minus strand), RNF14 (ring finger protein 14; plus strand). Cytogenetic location: 5q31.3.
Variant type: single nucleotide variant.
Coding change: c.1351A>G on transcript NM_016580.4 (MANE Select); coding-DNA position 1351, A replaced by G.
Protein change: p.Ser451Gly; replaces serine 451 with glycine.
Molecular consequence: missense variant.
Genome position (GRCh38, 1-based): chr5:141,956,501, T>C on the plus strand (A>G on the coding strand, the complement: PCDH12 is on the minus strand). VCF-style: chr5-141956501-T-C. GRCh37 (hg19) VCF-style: chr5-141336066-T-C.
Other names: short protein forms S451G.
Identifiers: ClinVar variation 1919836 (VCV001919836.3), dbSNP rs779400642, ClinGen allele CA3484418.